The following is an entry in ClinVar:

NM_001365999.1(SZT2):c.7405C>G (p.Arg2469Gly)

Gene: SZT2 (SZT2 subunit of KICSTOR complex; plus strand). Cytogenetic location: 1p34.2.
Variant type: single nucleotide variant.
Coding change: c.7405C>G on transcript NM_001365999.1 (MANE Select); coding-DNA position 7405, C replaced by G.
Protein change: p.Arg2469Gly; replaces arginine 2469 with glycine.
Molecular consequence: missense variant.
Genome position (GRCh38, 1-based): chr1:43,441,274, C>G. VCF-style: chr1-43441274-C-G. GRCh37 (hg19) VCF-style: chr1-43906945-C-G.
Other names: c.7234C>G, p.Arg2412Gly (NM_015284.4); short protein forms R2412G, R2469G.
Identifiers: ClinVar variation 1024457 (VCV001024457.8), dbSNP rs368814780, ClinGen allele CA340034697.

ClinVar aggregate classification (germline): Uncertain significance (1 of 4 stars; one submission).

Submission:

Labcorp Genetics (formerly Invitae), Labcorp
Classification: Uncertain significance. Last evaluated: 2022-02-03. Review status: criteria provided, single submitter. Criteria: Invitae Variant Classification Sherloc (09022015). Collection method: clinical testing. Allele origin: germline.
Comment: ClinVar contains an entry for this variant (Variation ID: 1024457). This sequence change replaces arginine, which is basic and polar, with glycine, which is neutral and non-polar, at codon 2412 of the SZT2 protein (p.Arg2412Gly). This variant is not present in population databases (gnomAD no frequency). This variant has not been reported in the literature in individuals affected with SZT2-related conditions. Algorithms developed to predict the effect of missense changes on protein structure and function (SIFT, PolyPhen-2, Align-GVGD) all suggest that this variant is likely to be disruptive. In summary, the available evidence is currently insufficient to determine the role of this variant in disease. Therefore, it has been classified as a Variant of Uncertain Significance.